The following is an entry in ClinVar:

ClinVar aggregate classification (germline): Conflicting classifications of pathogenicity. Review status: criteria provided, conflicting classifications (1 of 4 stars). 2 submissions from 2 submitters: Uncertain significance (1); Likely benign (1). Last evaluated 2024-09-26.

Allele frequency attached by ClinVar (database versions not stated): 1000 Genomes Project 30x 0.00016; 1000 Genomes Project 0.00020.

Submissions (2):

Ambry Genetics
Classification: Likely benign. Last evaluated: 2024-09-26. Review status: criteria provided, single submitter. Criteria: Ambry Variant Classification Scheme 2023. Collection method: clinical testing. Allele origin: germline.

Labcorp Genetics (formerly Invitae), Labcorp
Classification: Uncertain significance. Last evaluated: 2024-01-04. Review status: criteria provided, single submitter. Criteria: Invitae Variant Classification Sherloc (09022015). Collection method: clinical testing. Allele origin: germline.
Comment: This sequence change replaces alanine, which is neutral and non-polar, with threonine, which is neutral and polar, at codon 41 of the TNFRSF6B protein (p.Ala41Thr). This variant is present in population databases (rs372122002, gnomAD 0.009%). This variant has not been reported in the literature in individuals affected with TNFRSF6B-related conditions. Algorithms developed to predict the effect of missense changes on protein structure and function output the following: SIFT: "Not Available"; PolyPhen-2: "Benign"; Align-GVGD: "Not Available". The threonine amino acid residue is found in multiple mammalian species, which suggests that this missense change does not adversely affect protein function. In summary, the available evidence is currently insufficient to determine the role of this variant in disease. Therefore, it has been classified as a Variant of Uncertain Significance.

NM_003823.4(TNFRSF6B):c.121G>A (p.Ala41Thr)

Genes: RTEL1-TNFRSF6B (RTEL1-TNFRSF6B readthrough (NMD candidate); plus strand), TNFRSF6B (TNF receptor superfamily member 6b; plus strand). Cytogenetic location: 20q13.33.
Variant type: single nucleotide variant.
Coding change: c.121G>A on transcript NM_003823.4 (MANE Select); coding-DNA position 121, G replaced by A.
Protein change: p.Ala41Thr; replaces alanine 41 with threonine.
Molecular consequence: missense variant. On other transcripts: non-coding transcript variant (1).
Genome position (GRCh38, 1-based): chr20:63,696,888, G>A. VCF-style: chr20-63696888-G-A. GRCh37 (hg19) VCF-style: chr20-62328241-G-A.
Other names: c.121G>A (NM_003823.3); short protein forms A41T.
Identifiers: ClinVar variation 2889033 (VCV002889033.4), dbSNP rs372122002, ClinGen allele CA9966325.